The following is an entry in ClinVar:

NM_001165963.4(SCN1A):c.264+5G>A

Gene: SCN1A (sodium voltage-gated channel alpha subunit 1; minus strand). Cytogenetic location: 2q24.3.
Variant type: single nucleotide variant.
Coding change: c.264+5G>A on transcript NM_001165963.4 (MANE Select); 5 bases into the intron after coding-DNA position 264, G replaced by A.
Molecular consequence: intron variant.
Genome position (GRCh38, 1-based): chr2:166,073,353, C>T on the plus strand (G>A on the coding strand, the complement: SCN1A is on the minus strand). VCF-style: chr2-166073353-C-T. GRCh37 (hg19) VCF-style: chr2-166929863-C-T.
Other names: c.264+5G>A (AB093548.1, NM_001353949.2, NM_001353958.2 and 11 more transcripts); c.-2162+5G>A (NM_001353961.2).
Identifiers: ClinVar variation 217242 (VCV000217242.17), dbSNP rs794726762, ClinGen allele CA325458.

ClinVar aggregate classification (germline): Pathogenic/Likely pathogenic. Review status: criteria provided, multiple submitters, no conflicts (2 of 4 stars). 6 submissions from 6 submitters: Pathogenic (3); Likely pathogenic (3). Last evaluated 2025-08-08.

Conditions:
Early-infantile DEE. Also called: Ohtahara syndrome; Early infantile epileptic encephalopathy with suppression bursts; Early infantile epileptic encephalopathy. Identifiers: Orphanet 1934, MedGen C0393706, MONDO:0800491.
Autosomal dominant epilepsy.
Migraine, familial hemiplegic, 3. Identifiers: Orphanet 569, MedGen C1864987, MONDO:0012320, OMIM 609634.
Severe myoclonic epilepsy in infancy (DRVT). Also called: SEVERE MYOCLONIC EPILEPSY OF INFANCY; Dravet syndrome; DEVELOPMENTAL AND EPILEPTIC ENCEPHALOPATHY 6A; Severe Myoclonic Epilepsy in Infancy (SMEI); Epileptic encephalopathy, early infantile, 6 (Dravet syndrome). Identifiers: Orphanet 33069, MedGen C0751122, MONDO:0100135, OMIM 607208.

Submissions (6):

Labcorp Genetics (formerly Invitae), Labcorp
Classification: Pathogenic for Early-infantile DEE. Last evaluated: 2025-08-08. Review status: criteria provided, single submitter. Criteria: Invitae Variant Classification Sherloc (09022015). Collection method: clinical testing. Allele origin: germline.
Comment: This sequence change falls in intron 1 of the SCN1A gene. It does not directly change the encoded amino acid sequence of the SCN1A protein. It affects a nucleotide within the consensus splice site. This variant is not present in population databases (gnomAD no frequency). This variant has been observed in individual(s) with severe myoclonic epilepsy of infancy (PMID: 17054684, 25669891). In at least one individual the variant was observed to be de novo. ClinVar contains an entry for this variant (Variation ID: 217242). Variants that disrupt the consensus splice site are a relatively common cause of aberrant splicing (PMID: 17576681, 9536098). Algorithms developed to predict the effect of sequence changes on RNA splicing suggest that this variant may disrupt the consensus splice site. For these reasons, this variant has been classified as Pathogenic.

Women's Health and Genetics/Laboratory Corporation of America, LabCorp
Classification: Likely pathogenic. Last evaluated: 2022-11-03. Review status: criteria provided, single submitter. Criteria: LabCorp Variant Classification Summary - May 2015. Collection method: clinical testing. Allele origin: germline.
Comment: Variant summary: SCN1A c.264+5G>A alters a conserved nucleotide located close to a canonical splice site and therefore could affect mRNA splicing, leading to a significantly altered protein sequence. Several computational tools predict a significant impact on normal splicing: Three predict the variant abolishes the canonical 5' splicing donor site. However, these predictions have yet to be confirmed by functional studies. The variant was absent in 251020 control chromosomes (gnomAD). c.264+5G>A has been reported in the literature in individuals affected with SCN1A-Related Disorders with at-least one reported as a De novo occurrence (example: Berio_2014 and Mancardi_2006). These data indicate that the variant may be associated with disease. Five clinical diagnostic laboratories have submitted clinical-significance assessments for this variant to ClinVar after 2014 and all laboratories classified the variant as pathogenic/likely pathogenic. Based on the evidence outlined above, the variant was classified as likely pathogenic.

MGZ Medical Genetics Center
Classification: Likely pathogenic for Severe myoclonic epilepsy in infancy. Last evaluated: 2022-03-29. Review status: criteria provided, single submitter. Criteria: ACMG Guidelines, 2015. Collection method: clinical testing. Allele origin: germline. Affected: yes. Observed: 1 variant allele.
Comment: ACMG criteria applied: PS4_MOD, PM6, PS1_SUP, PM2_SUP, PP3

Institute of Human Genetics, University of Leipzig Medical Center
Classification: Pathogenic for Severe myoclonic epilepsy in infancy. Last evaluated: 2019-10-16. Review status: criteria provided, single submitter. Criteria: ACMG Guidelines, 2015. Collection method: clinical testing. Allele origin: germline. Affected: yes. Observed: 1 variant allele.

Centre for Mendelian Genomics, University Medical Centre Ljubljana
Classification: Likely pathogenic for Migraine, familial hemiplegic, 3. Last evaluated: 2016-01-01. Review status: criteria provided, single submitter. Criteria: ACMG Guidelines, 2015. Collection method: clinical testing. Allele origin: unknown. Affected: yes.
Comment: This variant was classified as: Likely pathogenic. The following ACMG criteria were applied in classifying this variant: PS1,PM2,PP3.

Athena Diagnostics
Classification: Pathogenic for Severe myoclonic epilepsy in infancy. Last evaluated: 2015-01-21. Review status: criteria provided, single submitter. Criteria: Athena Diagnostics Criteria. Collection method: clinical testing. Allele origin: germline. Inheritance: Autosomal dominant inheritance.

Literature cited by the submitters: PubMed 17054684 (cited by 3 submitters); PubMed 25669891 (cited by Labcorp Genetics (formerly Invitae), Labcorp and Women's Health and Genetics/Laboratory Corporation of America, LabCorp); PubMed 17576681 (cited by Labcorp Genetics (formerly Invitae), Labcorp); PubMed 9536098 (cited by Labcorp Genetics (formerly Invitae), Labcorp); PubMed 21719429 (cited by Athena Diagnostics).